The following is an entry in ClinVar:

ClinVar aggregate classification (germline): Uncertain significance. Review status: criteria provided, multiple submitters, no conflicts (2 of 4 stars). 3 submissions from 3 submitters: Uncertain significance (3). Last evaluated 2025-10-07.

Conditions:
Ataxia-telangiectasia-like disorder (ATLD). Identifiers: MedGen C1858391, MONDO:0011457.
Hereditary cancer-predisposing syndrome. Also called: Hereditary neoplastic syndrome; Neoplastic Syndromes, Hereditary; Tumor predisposition; Hereditary Cancer Syndrome. Identifiers: Orphanet 140162, MedGen C0027672, MeSH D009386, MONDO:0015356.
Ataxia-telangiectasia-like disorder 1 (ATLD1). Identifiers: Orphanet 251347, MedGen C4012790, MONDO:0024557, OMIM 604391.

Allele frequency attached by ClinVar (database versions not stated): gnomAD exomes below 0.00001; ExAC 0.00001.

Submissions (3):

Labcorp Genetics (formerly Invitae), Labcorp
Classification: Uncertain significance for Ataxia-telangiectasia-like disorder. Last evaluated: 2025-10-07. Review status: criteria provided, single submitter. Criteria: Invitae Variant Classification Sherloc (09022015). Collection method: clinical testing. Allele origin: germline.
Comment: This sequence change replaces isoleucine, which is neutral and non-polar, with asparagine, which is neutral and polar, at codon 263 of the MRE11 protein (p.Ile263Asn). This variant is present in population databases (rs764146299, gnomAD 0.0009%). This variant has not been reported in the literature in individuals affected with MRE11-related conditions. ClinVar contains an entry for this variant (Variation ID: 1681605). An algorithm developed to predict the effect of missense changes on protein structure and function (PolyPhen-2) suggests that this variant is likely to be disruptive. In summary, the available evidence is currently insufficient to determine the role of this variant in disease. Therefore, it has been classified as a Variant of Uncertain Significance.

Ambry Genetics
Classification: Uncertain significance for Hereditary cancer-predisposing syndrome. Last evaluated: 2023-06-24. Review status: criteria provided, single submitter. Criteria: Ambry Variant Classification Scheme 2023. Collection method: clinical testing. Allele origin: germline.
Comment: The p.I263N variant (also known as c.788T>A), located in coding exon 7 of the MRE11A gene, results from a T to A substitution at nucleotide position 788. The isoleucine at codon 263 is replaced by asparagine, an amino acid with dissimilar properties. This amino acid position is poorly conserved in available vertebrate species. In addition, the in silico prediction for this alteration is inconclusive. Since supporting evidence is limited at this time, the clinical significance of this alteration remains unclear.

Baylor Genetics
Classification: Uncertain significance for Ataxia-telangiectasia-like disorder 1. Last evaluated: 2023-01-23. Review status: criteria provided, single submitter. Criteria: ACMG Guidelines, 2015. Collection method: clinical testing. Allele origin: unknown.

NM_005591.4(MRE11):c.788T>A (p.Ile263Asn)

Gene: MRE11 (MRE11 double strand break repair nuclease; minus strand). Cytogenetic location: 11q21.
Variant type: single nucleotide variant.
Coding change: c.788T>A on transcript NM_005591.4 (MANE Select); coding-DNA position 788, T replaced by A.
Protein change: p.Ile263Asn; replaces isoleucine 263 with asparagine.
Molecular consequence: missense variant.
Genome position (GRCh38, 1-based): chr11:94,471,631, A>T on the plus strand (T>A on the coding strand, the complement: MRE11 is on the minus strand). VCF-style: chr11-94471631-A-T. GRCh37 (hg19) VCF-style: chr11-94204797-A-T.
Other names: c.788T>A, p.Ile263Asn (NM_001330347.2, NM_005590.4); short protein forms I263N.
Identifiers: ClinVar variation 1681605 (VCV001681605.11), dbSNP rs764146299, ClinGen allele CA6235306.